The following is an entry in ClinVar:

ClinVar aggregate classification (germline): Pathogenic (1 of 4 stars; one submission).

Submission:

Labcorp Genetics (formerly Invitae), Labcorp
Classification: Pathogenic. Last evaluated: 2024-12-16. Review status: criteria provided, single submitter. Criteria: Invitae Variant Classification Sherloc (09022015). Collection method: clinical testing. Allele origin: germline.
Comment: This sequence change creates a premature translational stop signal (p.Leu35Cysfs*25) in the CHM gene. It is expected to result in an absent or disrupted protein product. Loss-of-function variants in CHM are known to be pathogenic (PMID: 9067750, 23811034). This variant is not present in population databases (gnomAD no frequency). This variant has not been reported in the literature in individuals affected with CHM-related conditions. For these reasons, this variant has been classified as Pathogenic.

Literature cited by the submitters: PubMed 9067750; PubMed 23811034.

NM_000390.4(CHM):c.103del (p.Leu35fs)

Gene: CHM (CHM Rab escort protein; minus strand). Cytogenetic location: Xq21.2.
Variant type: Deletion.
Coding change: c.103del on transcript NM_000390.4 (MANE Select); coding-DNA position 103, one base deleted (C; older notation c.103delC).
Protein change: p.Leu35fs; shifts the reading frame from leucine 35.
Molecular consequence: frameshift variant. On other transcripts: 5 prime UTR variant (4).
Genome position (GRCh38, 1-based): chrX:86,027,504, G deleted on the plus strand (C on the coding strand, the reverse complement: CHM is on the minus strand). VCF-style (leftmost placement, unchanged base first): chrX-86027503-AG-A. GRCh37 (hg19) VCF-style: chrX-85282507-AG-A.
Other names: c.103del, p.Leu35fs (NM_001145414.4); c.-342del (NM_001320959.1, NM_001362517.1); c.-338del (NM_001362518.2, NM_001362519.1); short protein forms L35fs.
Identifiers: ClinVar variation 3727395 (VCV003727395.2).
Genomic context (GRCh38, chrX:86,027,503, plus strand): 5'-GTATAGAGATATTTAGGAAATATTAAATGCTATCGTTGATAAACTTACGAATCAACATGC[AG>A]AACTCTCCGGCCACTTCTTGAACATGCAGCTGCAATGATGGATTCAGGCAAACCTACAAA-3'